The following is an entry in ClinVar:

NM_001276270.2(MBD4):c.1085T>G (p.Val362Gly)

Gene: MBD4 (methyl-CpG binding domain 4, DNA glycosylase; minus strand). Cytogenetic location: 3q21.3.
Variant type: single nucleotide variant.
Coding change: c.1085T>G on transcript NM_001276270.2 (MANE Select); coding-DNA position 1085, T replaced by G.
Protein change: p.Val362Gly; replaces valine 362 with glycine.
Molecular consequence: missense variant. On other transcripts: intron variant (1).
Genome position (GRCh38, 1-based): chr3:129,436,559, A>C on the plus strand (T>G on the coding strand, the complement: MBD4 is on the minus strand). VCF-style: chr3-129436559-A-C. GRCh37 (hg19) VCF-style: chr3-129155402-A-C.
Other names: c.1085T>G, p.Val362Gly (NM_001276271.2, NM_001276272.2, NM_003925.3); c.247+1249T>G (NM_001276273.2); short protein forms V362G.
Identifiers: ClinVar variation 3124041 (VCV003124041.3), dbSNP rs1418060343, ClinGen allele CA354466586.
Genomic context (GRCh38, chr3:129,436,559, plus strand): 5'-ATTTCAGAGCCACGTTTTAAAATGTCAGTATGCAAATGTTCTTTCCTTTCCACAACTTCT[A>C]CTTTTGTTCCGATTTCTTCAGATTCTAAAAAGGTATCCTCATACTTCTCGTTGTGTTCTG-3'
Protein context (NP_001263199.1, residues 352-372): FLESEEIGTK[Val362Gly]EVVERKEHLH

ClinVar aggregate classification (germline): Uncertain significance. Review status: criteria provided, multiple submitters, no conflicts (2 of 4 stars). 2 submissions from 2 submitters: Uncertain significance (2). Last evaluated 2025-06-29.

Conditions:
Inborn genetic diseases. Identifiers: MedGen C0950123, MeSH D030342.

Allele frequency attached by ClinVar (database versions not stated): TOPMed below 0.00001; gnomAD 0.00001.
gnomAD v4.1: 1 of 1,613,992 alleles (0.000062%); highest among the groups gnomAD compares: African/African-American, 0.0013%; no homozygotes.

Submissions (2):

Labcorp Genetics (formerly Invitae), Labcorp
Classification: Uncertain significance. Last evaluated: 2025-06-29. Review status: criteria provided, single submitter. Criteria: Invitae Variant Classification Sherloc (09022015). Collection method: clinical testing. Allele origin: germline.
Comment: This sequence change replaces valine, which is neutral and non-polar, with glycine, which is neutral and non-polar, at codon 362 of the MBD4 protein (p.Val362Gly). This variant is not present in population databases (gnomAD no frequency). This variant has not been reported in the literature in individuals affected with MBD4-related conditions. ClinVar contains an entry for this variant (Variation ID: 3124041). An algorithm developed to predict the effect of missense changes on protein structure and function outputs the following: PolyPhen-2: "Benign". The glycine amino acid residue is found in multiple mammalian species, which suggests that this missense change does not adversely affect protein function. In summary, the available evidence is currently insufficient to determine the role of this variant in disease. Therefore, it has been classified as a Variant of Uncertain Significance.

Ambry Genetics
Classification: Uncertain significance for Inborn genetic diseases. Last evaluated: 2024-01-23. Review status: criteria provided, single submitter. Criteria: Ambry Variant Classification Scheme 2023. Collection method: clinical testing. Allele origin: germline.